The following is an entry in ClinVar:

ClinVar aggregate classification (germline): Uncertain significance (1 of 4 stars; one submission).

Submission:

Labcorp Genetics (formerly Invitae), Labcorp
Classification: Uncertain significance. Last evaluated: 2021-09-01. Review status: criteria provided, single submitter. Criteria: Invitae Variant Classification Sherloc (09022015). Collection method: clinical testing. Allele origin: germline.
Comment: This sequence change replaces glutamine with histidine at codon 406 of the COL27A1 protein (p.Gln406His). The glutamine residue is weakly conserved and there is a small physicochemical difference between glutamine and histidine. This variant is not present in population databases (ExAC no frequency). This variant has not been reported in the literature in individuals affected with COL27A1-related conditions. Advanced modeling of protein sequence and biophysical properties (such as structural, functional, and spatial information, amino acid conservation, physicochemical variation, residue mobility, and thermodynamic stability) performed at Invitae indicates that this missense variant is not expected to disrupt COL27A1 protein function. In summary, the available evidence is currently insufficient to determine the role of this variant in disease. Therefore, it has been classified as a Variant of Uncertain Significance.

NM_032888.4(COL27A1):c.1218A>C (p.Gln406His)

Gene: COL27A1 (collagen type XXVII alpha 1 chain; plus strand). Cytogenetic location: 9q32.
Variant type: single nucleotide variant.
Coding change: c.1218A>C on transcript NM_032888.4 (MANE Select); coding-DNA position 1218, A replaced by C.
Protein change: p.Gln406His; replaces glutamine 406 with histidine.
Molecular consequence: missense variant.
Genome position (GRCh38, 1-based): chr9:114,168,773, A>C. VCF-style: chr9-114168773-A-C. GRCh37 (hg19) VCF-style: chr9-116931053-A-C.
Other names: short protein forms Q406H.
Identifiers: ClinVar variation 1920204 (VCV001920204.2), dbSNP rs2490567860, ClinGen allele CA374593686.
Genomic context (GRCh38, chr9:114,168,773, plus strand): 5'-TCCTACCCAGAAAACAGCTCCATCTTCATTTACAAAGTCAGCCCTACCCACTCAGAAGCA[A>C]GTGCCACCTACTTCCCGTCCAGTTCCTGCCAGAGTCTCCCGTCCCGCAGAGAAGCCCATC-3'
Protein context (NP_116277.2, residues 396-416): FTKSALPTQK[Gln406His]VPPTSRPVPA